The following is an entry in ClinVar:

ClinVar aggregate classification (germline): Uncertain significance (1 of 4 stars; one submission).

Allele frequency attached by ClinVar (database versions not stated): 1000 Genomes Project 0.00339; TOPMed 0.00377.

Submission:

CeGaT Center for Human Genetics Tuebingen
Classification: Uncertain significance. Last evaluated: 2024-05-01. Review status: criteria provided, single submitter. Criteria: CeGaT Center For Human Genetics Tuebingen Variant Classification Criteria Version 2. Collection method: clinical testing. Allele origin: germline. Affected: yes. Observed: 1 variant allele.
Comment: DNHD1: PM2, BP4

NM_144666.3(DNHD1):c.5738G>A (p.Arg1913His)

Gene: DNHD1 (dynein heavy chain domain 1; plus strand). Cytogenetic location: 11p15.4.
Variant type: single nucleotide variant.
Coding change: c.5738G>A on transcript NM_144666.3 (MANE Select); coding-DNA position 5738, G replaced by A.
Protein change: p.Arg1913His; replaces arginine 1913 with histidine.
Molecular consequence: missense variant.
Genome position (GRCh38, 1-based): chr11:6,546,677, G>A. VCF-style: chr11-6546677-G-A. GRCh37 (hg19) VCF-style: chr11-6567907-G-A.
Other names: short protein forms R1913H.
Identifiers: ClinVar variation 3239025 (VCV003239025.19), dbSNP rs200959174.
Genomic context (GRCh38, chr11:6,546,677, plus strand): 5'-AGGAACCGAAGTGCCAGAAGCCTCGCAGCCTAGCTGCCATTGAGGAGGCTGCCCTACTGC[G>A]CTCACCACTGTTTAGCATTCTCAATGGGCTCCACCTGCACAACCTCCGAGGGCTGTTGTG-3'
Protein context (NP_653267.2, residues 1903-1923): LAAIEEAALL[Arg1913His]SPLFSILNGL